The following is an entry in ClinVar:

ClinVar aggregate classification (germline): Pathogenic. Review status: criteria provided, multiple submitters, no conflicts (2 of 4 stars). 9 submissions from 9 submitters: Pathogenic (7). 2 of the submissions do not count toward it. Last evaluated 2026-07-17.

Conditions:
SCARB2-related disorder. Also called: SCARB2-related condition.
Inborn genetic diseases. Identifiers: MedGen C0950123, MeSH D030342.
Progressive myoclonic epilepsy. Also called: Myoclonic Epilepsies, Progressive; Progressive myoclonus epilepsy; Familial progressive myoclonic epilepsy; Myoclonus epilepsy. Identifiers: Orphanet 308, Orphanet 98261, MedGen C0751778, MONDO:0020074.
Action myoclonus-renal failure syndrome. Also called: SCARB2-Related Action Myoclonus-Renal Failure Syndrome; EPILEPSY, PROGRESSIVE MYOCLONIC, 4, WITH RENAL FAILURE; EPILEPSY, PROGRESSIVE MYOCLONIC, 4, WITHOUT RENAL FAILURE; MYOCLONUS-NEPHROPATHY SYNDROME. Identifiers: Orphanet 163696, MedGen C0751779, MeSH D020191, MONDO:0009699, OMIM 254900.

Submissions (9):

PreventionGenetics, part of Exact Sciences
Classification: Pathogenic for SCARB2-related condition. Last evaluated: 2026-07-17. Review status: criteria provided, single submitter. Criteria: ACMG Guidelines, 2015. Collection method: clinical testing. Allele origin: germline.
Comment: The SCARB2 c.434_435dupAG variant is predicted to result in a frameshift and premature protein termination (p.Trp146Serfs*16). This variant has been reported to be causative for action myoclonus-renal failure syndrome (Berkovic et al. 2008. PubMed ID: 18308289; Quraishi et al. 2021. PubMed ID: 34337151). Functional studies showed that the protein lost b-GC-binding capacity almost completely due to this variant (Blanz et al. 2010. PubMed ID: 19933215). This variant is reported in 0.017% of alleles in individuals of European (Non-Finnish) descent in gnomAD. Frameshift variants in SCARB2 are expected to be pathogenic. This variant is interpreted as pathogenic.

Labcorp Genetics (formerly Invitae), Labcorp
Classification: Pathogenic for Progressive myoclonic epilepsy. Last evaluated: 2025-11-24. Review status: criteria provided, single submitter. Criteria: Invitae Variant Classification Sherloc (09022015). Collection method: clinical testing. Allele origin: germline.
Comment: This sequence change creates a premature translational stop signal (p.Trp146Serfs*16) in the SCARB2 gene. It is expected to result in an absent or disrupted protein product. Loss-of-function variants in SCARB2 are known to be pathogenic (PMID: 19847901). This variant is present in population databases (rs727502773, gnomAD 0.02%). This premature translational stop signal has been observed in individual(s) with SCARB2-related conditions (PMID: 18308289). This variant is also known as c.435_436insAG. ClinVar contains an entry for this variant (Variation ID: 7377). For these reasons, this variant has been classified as Pathogenic.

Fulgent Genetics
Classification: Pathogenic for Action myoclonus-renal failure syndrome. Last evaluated: 2024-05-25. Review status: criteria provided, single submitter. Criteria: ACMG Guidelines, 2015. Collection method: clinical testing. Allele origin: germline.

Blueprint Genetics
Classification: Pathogenic for SCARB2-related disorders. Last evaluated: 2023-10-11. Review status: criteria provided, single submitter. Criteria: ACMG Guidelines, 2015. Collection method: clinical testing. Allele origin: germline. Affected: yes. Observed: 5 variant alleles.

GeneDx
Classification: Pathogenic. Last evaluated: 2022-01-06. Review status: criteria provided, single submitter. Criteria: GeneDx Variant Classification Process June 2021. Collection method: clinical testing. Allele origin: germline. Affected: yes.
Comment: Published functional studies demonstrate protein retention in the endoplasmic reticulum as well as inability to bind beta-glucocerebrosidase (Blanz et al., 2010); Frameshift variant predicted to result in protein truncation or nonsense mediated decay in a gene for which loss-of-function is a known mechanism of disease; This variant is associated with the following publications: (PMID: 29941711, 15364701, 24389070, 23659519, 22884962, 29655203, 19933215, 18308289)

Revvity Omics, Revvity
Classification: Pathogenic for Action myoclonus-renal failure syndrome. Last evaluated: 2020-03-27. Review status: criteria provided, single submitter. Criteria: ACMG Guidelines, 2015. Collection method: clinical testing. Allele origin: germline.

Ambry Genetics
Classification: Pathogenic for Inborn genetic diseases. Last evaluated: 2017-09-28. Review status: criteria provided, single submitter. Criteria: Ambry Variant Classification Scheme 2023. Collection method: clinical testing. Allele origin: germline.
Comment: The c.434_435dupAG pathogenic mutation, located in coding exon 4 of the SCARB2 gene, results from a duplication of AG at nucleotide position 434, causing a translational frameshift with a predicted alternate stop codon (p.W146Sfs*16). This mutation was first reported in a homozygous individual with action myoclonus-renal failure syndrome (Berkovic SF et al. Am. J. Hum. Genet., 2008 Mar;82:673-84). In addition to the clinical data presented in the literature, this alteration is expected to result in loss of function by premature protein truncation or nonsense-mediated mRNA decay. As such, this alteration is interpreted as a disease-causing mutation.

OMIM
Classification: Pathogenic for EPILEPSY, PROGRESSIVE MYOCLONIC, 4, WITH RENAL FAILURE. Last evaluated: 2008-03-01. Review status: no assertion criteria provided. Collection method: literature only. Allele origin: germline. Not counted in ClinVar's aggregate classification.

GeneReviews
No classification provided. Condition: Action myoclonus-renal failure syndrome. Review status: no classification provided. Collection method: literature only. Allele origin: germline. Affected: yes. Not counted in ClinVar's aggregate classification.

Literature cited by the submitters: PubMed 19847901 (cited by Labcorp Genetics (formerly Invitae), Labcorp); PubMed 18308289 (cited by 4 submitters); PubMed 19933215 (cited by Ambry Genetics); PubMed 28780565 (cited by Ambry Genetics); PubMed 15364701 (cited by OMIM); NCBI Bookshelf NBK333437 (cited by GeneReviews).

NM_005506.4(SCARB2):c.434_435dup (p.Trp146fs)

Gene: SCARB2 (scavenger receptor class B member 2; minus strand). Cytogenetic location: 4q21.1.
Variant type: Microsatellite.
Coding change: c.434_435dup on transcript NM_005506.4 (MANE Select); coding-DNA positions 434 to 435, 2 bases duplicated (AG; older notation c.434_435dupAG).
Protein change: p.Trp146fs; shifts the reading frame from tryptophan 146.
Molecular consequence: frameshift variant. On other transcripts: intron variant (1).
Genome position (GRCh38, 1-based): chr4:76,179,694-76,179,695, CT duplicated on the plus strand (AG on the coding strand, the reverse complement: SCARB2 is on the minus strand); duplicating any 2 consecutive bases within chr4:76,179,694-76,179,697 gives the same sequence; the c. name uses the placement nearest the transcript's 3' end. VCF-style (leftmost placement, unchanged base first): chr4-76179693-A-ACT. GRCh37 (hg19) VCF-style: chr4-77100846-A-ACT.
Other names: c.434_435dup (NM_005506.3); c.276-3787AG[3] (NM_001204255.2); short protein forms W146fs.
Identifiers: ClinVar variation 7377 (VCV000007377.26), dbSNP rs727502773, ClinGen allele CA212867.